The following is an entry in ClinVar:

ClinVar aggregate classification (germline): Uncertain significance. Review status: criteria provided, multiple submitters, no conflicts (2 of 4 stars). 2 submissions from 2 submitters: Uncertain significance (2). Last evaluated 2025-10-15.

Submissions (2):

Labcorp Genetics (formerly Invitae), Labcorp
Classification: Uncertain significance. Last evaluated: 2025-10-15. Review status: criteria provided, single submitter. Criteria: Invitae Variant Classification Sherloc (09022015). Collection method: clinical testing. Allele origin: germline.
Comment: This sequence change falls in intron 3 of the CFHR5 gene. It does not directly change the encoded amino acid sequence of the CFHR5 protein. It affects a nucleotide within the consensus splice site. This variant is present in population databases (rs752491168, gnomAD 0.01%). This variant has not been reported in the literature in individuals affected with CFHR5-related conditions. ClinVar contains an entry for this variant (Variation ID: 3380454). Variants that disrupt the consensus splice site are a relatively common cause of aberrant splicing (PMID: 17576681, 9536098). Algorithms developed to predict the effect of sequence changes on RNA splicing suggest that this variant may disrupt the consensus splice site. In summary, the available evidence is currently insufficient to determine the role of this variant in disease. Therefore, it has been classified as a Variant of Uncertain Significance.

Mayo Clinic Laboratories, Mayo Clinic
Classification: Uncertain significance. Last evaluated: 2023-11-13. Review status: criteria provided, single submitter. Criteria: ACMG Guidelines, 2015. Collection method: clinical testing. Allele origin: germline. Observed: 1 variant allele.
Comment: PP3, PM2

Literature cited by the submitters: PubMed 17576681 (cited by Labcorp Genetics (formerly Invitae), Labcorp); PubMed 9536098 (cited by Labcorp Genetics (formerly Invitae), Labcorp).

NM_030787.4(CFHR5):c.430+5G>T

Gene: CFHR5 (complement factor H related 5; plus strand). Cytogenetic location: 1q31.3.
Variant type: single nucleotide variant.
Coding change: c.430+5G>T on transcript NM_030787.4 (MANE Select); 5 bases into the intron after coding-DNA position 430, G replaced by T.
Molecular consequence: intron variant.
Genome position (GRCh38, 1-based): chr1:196,984,142, G>T. VCF-style: chr1-196984142-G-T. GRCh37 (hg19) VCF-style: chr1-196953272-G-T.
Identifiers: ClinVar variation 3380454 (VCV003380454.2).
Genomic context (GRCh38, chr1:196,984,142, plus strand): 5'-AAACATTTCGTGTGTAGAACGGGGCTGGTCCACTCCTCCCATATGCAGCTTCACTAGTAA[G>T]CAAAATACCACTCTCTCAGTTTTGCTAATTATTTAAAGAAATAAATCTATAGTTTATAGA-3'